The following is an entry in ClinVar:

ClinVar aggregate classification (germline): Uncertain significance (1 of 4 stars; one submission).

Conditions:
PRPH2-related disorder. Also called: PRPH2-related disorders; PRPH2-related condition. Identifiers: MedGen CN239395.

gnomAD v4.1: 25 of 1,614,044 alleles (0.0015%); highest among the groups gnomAD compares: Admixed American, 0.005%; no homozygotes.

Submission:

Labcorp Genetics (formerly Invitae), Labcorp
Classification: Uncertain significance for PRPH2-related disorder. Last evaluated: 2024-06-28. Review status: criteria provided, single submitter. Criteria: Invitae Variant Classification Sherloc (09022015). Collection method: clinical testing. Allele origin: germline.
Comment: This sequence change replaces glutamic acid, which is acidic and polar, with lysine, which is basic and polar, at codon 297 of the PRPH2 protein (p.Glu297Lys). This variant is present in population databases (rs779048042, gnomAD 0.004%). This variant has not been reported in the literature in individuals affected with PRPH2-related conditions. Advanced modeling of protein sequence and biophysical properties (such as structural, functional, and spatial information, amino acid conservation, physicochemical variation, residue mobility, and thermodynamic stability) has been performed at Invitae for this missense variant, however the output from this modeling did not meet the statistical confidence thresholds required to predict the impact of this variant on PRPH2 protein function. In summary, the available evidence is currently insufficient to determine the role of this variant in disease. Therefore, it has been classified as a Variant of Uncertain Significance.

NM_000322.5(PRPH2):c.889G>A (p.Glu297Lys)

Gene: PRPH2 (peripherin 2; minus strand). Cytogenetic location: 6p21.1.
Variant type: single nucleotide variant.
Coding change: c.889G>A on transcript NM_000322.5 (MANE Select); coding-DNA position 889, G replaced by A.
Protein change: p.Glu297Lys; replaces glutamic acid 297 with lysine.
Molecular consequence: missense variant.
Genome position (GRCh38, 1-based): chr6:42,698,447, C>T on the plus strand (G>A on the coding strand, the complement: PRPH2 is on the minus strand). VCF-style: chr6-42698447-C-T. GRCh37 (hg19) VCF-style: chr6-42666185-C-T.
Other names: short protein forms E297K.
Identifiers: ClinVar variation 3709262 (VCV003709262.2).